The following is an entry in ClinVar:

ClinVar aggregate classification (germline): Uncertain significance (1 of 4 stars; one submission).

Submission:

GeneDx
Classification: Uncertain significance. Last evaluated: 2026-04-07. Review status: criteria provided, single submitter. Criteria: GeneDx Variant Classification Process June 2021. Collection method: clinical testing. Allele origin: germline.
Comment: Not observed at significant frequency in large population cohorts (gnomAD); In silico analysis suggests that this missense variant does not alter protein structure/function; Has not been previously published as pathogenic or benign to our knowledge

NM_001083962.2(TCF4):c.526G>A (p.Val176Ile)

Gene: TCF4 (transcription factor 4; minus strand). Cytogenetic location: 18q21.2.
Variant type: single nucleotide variant.
Coding change: c.526G>A on transcript NM_001083962.2 (MANE Select); coding-DNA position 526, G replaced by A.
Protein change: p.Val176Ile; replaces valine 176 with isoleucine.
Molecular consequence: missense variant.
Genome position (GRCh38, 1-based): chr18:55,350,382, C>T on the plus strand (G>A on the coding strand, the complement: TCF4 is on the minus strand). VCF-style: chr18-55350382-C-T. GRCh37 (hg19) VCF-style: chr18-53017613-C-T.
Other names: c.832G>A, p.Val278Ile (NM_001243226.3); c.454G>A, p.Val152Ile (NM_001243227.2, NM_001306207.1, NM_001348217.1 and 9 more transcripts); c.526G>A, p.Val176Ile (NM_001243228.2, NM_001330604.3, NM_001369567.1 and 5 more transcripts); c.520G>A, p.Val174Ile (NM_001243230.2); c.400G>A, p.Val134Ile (NM_001243231.2, NM_001348211.2); c.313G>A, p.Val105Ile (NM_001243232.1, NM_001306208.1); c.136G>A, p.Val46Ile (NM_001243233.2, NM_001330605.3, NM_001348212.2 and 1 more transcripts); c.451G>A, p.Val151Ile (NM_001348220.1, NM_001369585.1, NM_001369576.1 and 3 more transcripts); and 1 more; short protein forms V105I, V134I, V151I, V152I, V174I, V175I, V176I, V278I.
Identifiers: ClinVar variation 5018318 (VCV005018318.1).
Genomic context (GRCh38, chr18:55,350,382, plus strand): 5'-ATAAGCAATATACAAAGCAGAAACAAGCAGTACTTACTGAAGATGGCAAACCTGGAGGAA[C>T]TTTTCGAACTTTCTTTGTCTGTACCTCTGAAAGAAAATGAAGATGCTTTCAGCTCCCAAA-3'
Protein context (NP_001077431.1, residues 166-186): MEVQTKKVRK[Val176Ile]PPGLPSSVYA